The following is an entry in ClinVar:

ClinVar aggregate classification (germline): Conflicting classifications of pathogenicity. Review status: criteria provided, conflicting classifications (1 of 4 stars). 7 submissions from 6 submitters: Uncertain significance (2); Likely benign (5). Last evaluated 2025-04-28.

Conditions:
Hereditary cancer-predisposing syndrome. Also called: Tumor predisposition; Neoplastic Syndromes, Hereditary; Hereditary Cancer Syndrome; Hereditary neoplastic syndrome. Identifiers: Orphanet 140162, MedGen C0027672, MeSH D009386, MONDO:0015356.
Breast-ovarian cancer, familial, susceptibility to, 3. Also called: RAD51C-Related Breast/Ovarian Cancer. Identifiers: Orphanet 145, MedGen C3150659, MONDO:0013253, OMIM 613399.
Fanconi anemia complementation group O. Also called: RAD51C-Related Fanconi Anemia. Identifiers: Orphanet 84, MedGen C3150653, MONDO:0013248, OMIM 613390.

Allele frequency attached by ClinVar (database versions not stated): gnomAD exomes below 0.00001; gnomAD 0.00001; TOPMed 0.00001.

Submissions (7):

Women's Health and Genetics/Laboratory Corporation of America, LabCorp
Classification: Likely benign. Last evaluated: 2025-04-28. Review status: criteria provided, single submitter. Criteria: LabCorp Variant Classification Summary - May 2015. Collection method: clinical testing. Allele origin: germline.
Comment: Variant summary: RAD51C c.404+7T>C alters a non-conserved nucleotide located at a position not widely known to affect splicing. Consensus agreement among computation tools predict no significant impact on normal splicing. However, these predictions have yet to be confirmed by functional studies. The variant allele was found at a frequency of 4.1e-06 in 245108 control chromosomes. The available data on variant occurrences in the general population are insufficient to allow any conclusion about variant significance. To our knowledge, no occurrence of c.404+7T>C in individuals affected with Hereditary Breast And Ovarian Cancer Syndrome and no experimental evidence demonstrating its impact on protein function have been reported. ClinVar contains an entry for this variant (Variation ID: 492367). Based on the evidence outlined above, the variant was classified as likely benign.

Labcorp Genetics (formerly Invitae), Labcorp
Classification: Likely benign for Fanconi anemia complementation group O. Last evaluated: 2025-04-13. Review status: criteria provided, single submitter. Criteria: Invitae Variant Classification Sherloc (09022015). Collection method: clinical testing. Allele origin: germline.

Myriad Genetics, Inc.
Classification: Likely benign for Breast-ovarian cancer, familial, susceptibility to, 3. Last evaluated: 2025-02-18. Review status: criteria provided, single submitter. Criteria: Myriad Autosomal Dominant, Autosomal Recessive and X-Linked Classification Criteria (2023). Collection method: clinical testing. Allele origin: unknown.
Comment: This variant is considered likely benign. This variant is intronic and is not expected to impact mRNA splicing.

Illumina Laboratory Services, Illumina
Classification: Uncertain significance for Breast-ovarian cancer, familial, susceptibility to, 3. Last evaluated: 2018-01-13. Review status: criteria provided, single submitter. Criteria: ICSL Variant Classification Criteria 13 December 2019. Collection method: clinical testing. Allele origin: germline.

Illumina Laboratory Services, Illumina
Classification: Uncertain significance for Fanconi anemia complementation group O. Last evaluated: 2018-01-13. Review status: criteria provided, single submitter. Criteria: ICSL Variant Classification Criteria 13 December 2019. Collection method: clinical testing. Allele origin: germline.

GeneDx
Classification: Likely benign. Last evaluated: 2017-11-08. Review status: criteria provided, single submitter. Criteria: GeneDx Variant Classification (06012015). Collection method: clinical testing. Allele origin: germline. Affected: yes.
Comment: This variant is considered likely benign or benign based on one or more of the following criteria: it is a conservative change, it occurs at a poorly conserved position in the protein, it is predicted to be benign by multiple in silico algorithms, and/or has population frequency not consistent with disease.

Color Diagnostics, LLC DBA Color Health
Classification: Likely benign for Hereditary cancer-predisposing syndrome. Last evaluated: 2015-04-22. Review status: criteria provided, single submitter. Criteria: ACMG Guidelines, 2015. Collection method: clinical testing. Allele origin: germline.

NM_058216.3(RAD51C):c.404+7T>C

Gene: RAD51C (RAD51 paralog C; plus strand). Cytogenetic location: 17q22.
Variant type: single nucleotide variant.
Coding change: c.404+7T>C on transcript NM_058216.3 (MANE Select); 7 bases into the intron after coding-DNA position 404, T replaced by C.
Molecular consequence: intron variant. On other transcripts: 3 prime UTR variant (1), non-coding transcript variant (1).
Genome position (GRCh38, 1-based): chr17:58,695,196, T>C. VCF-style: chr17-58695196-T-C. GRCh37 (hg19) VCF-style: chr17-56772557-T-C.
Other names: c.*3T>C (NM_002876.4).
Identifiers: ClinVar variation 492367 (VCV000492367.20), dbSNP rs1350153132, ClinGen allele CA627144591.